The following is an entry in ClinVar:

ClinVar aggregate classification (germline): Uncertain significance (1 of 4 stars; one submission).

Conditions:
Epidermolysis bullosa simplex, Ogna type (EBS5A). Also called: Pidermolysis bullosa simplex 5A, Ogna type; EPIDERMOLYSIS BULLOSA SIMPLEX 5A, OGNA TYPE. Identifiers: Orphanet 79401, MedGen C0432317, MONDO:0007555, OMIM 131950.
Epidermolysis bullosa simplex 5C, with pyloric atresia (EBS5C). Also called: Epidermolysis bullosa simplex with pyloric atresia; PLEC-Related Epidermolysis Bullosa with Pyloric Atresia; PLEC1-Related Epidermolysis Bullosa with Pyloric Atresia. Identifiers: Orphanet 158684, MedGen C2677349, MONDO:0012807, OMIM 612138.
Epidermolysis bullosa simplex with nail dystrophy (EBS5D). Identifiers: MedGen C4225309, MONDO:0014661, OMIM 616487.
Epidermolysis bullosa simplex 5B, with muscular dystrophy (EBS5B). Also called: EPIDERMOLYSIS BULLOSA SIMPLEX AND LIMB-GIRDLE MUSCULAR DYSTROPHY; Epidermolysis bullosa simplex with muscular dystrophy. Identifiers: Orphanet 257, MedGen C2931072, MONDO:0009181, OMIM 226670.
Autosomal recessive limb-girdle muscular dystrophy type 2Q (LGMDR17). Also called: MUSCULAR DYSTROPHY, LIMB-GIRDLE, AUTOSOMAL RECESSIVE 17. Identifiers: Orphanet 254361, MedGen C3150989, MONDO:0013390, OMIM 613723.

Allele frequency attached by ClinVar (database versions not stated): TOPMed below 0.00001; gnomAD exomes 0.00001.
gnomAD v4.1: 11 of 1,596,204 alleles (0.00069%); highest among the groups gnomAD compares: Non-Finnish European, 0.00094%; no homozygotes.

Submission:

Labcorp Genetics (formerly Invitae), Labcorp
Classification: Uncertain significance for Autosomal recessive limb-girdle muscular dystrophy type 2Q; Epidermolysis bullosa simplex, Ogna type; Epidermolysis bullosa simplex with nail dystrophy; Epidermolysis bullosa simplex 5C, with pyloric atresia; Epidermolysis bullosa simplex 5B, with muscular dystrophy. Last evaluated: 2024-08-17. Review status: criteria provided, single submitter. Criteria: Invitae Variant Classification Sherloc (09022015). Collection method: clinical testing. Allele origin: germline.
Comment: This sequence change replaces alanine, which is neutral and non-polar, with threonine, which is neutral and polar, at codon 3413 of the PLEC protein (p.Ala3413Thr). This variant is not present in population databases (gnomAD no frequency). This variant has not been reported in the literature in individuals affected with PLEC-related conditions. ClinVar contains an entry for this variant (Variation ID: 647233). Invitae Evidence Modeling of protein sequence and biophysical properties (such as structural, functional, and spatial information, amino acid conservation, physicochemical variation, residue mobility, and thermodynamic stability) indicates that this missense variant is not expected to disrupt PLEC protein function with a negative predictive value of 80%. In summary, the available evidence is currently insufficient to determine the role of this variant in disease. Therefore, it has been classified as a Variant of Uncertain Significance.

NM_201384.3(PLEC):c.10156G>A (p.Ala3386Thr)

Gene: PLEC (plectin; minus strand). Cytogenetic location: 8q24.3.
Variant type: single nucleotide variant.
Coding change: c.10156G>A on transcript NM_201384.3 (MANE Select); coding-DNA position 10156, G replaced by A.
Protein change: p.Ala3386Thr; replaces alanine 3386 with threonine.
Molecular consequence: missense variant.
Genome position (GRCh38, 1-based): chr8:143,919,665, C>T on the plus strand (G>A on the coding strand, the complement: PLEC is on the minus strand). VCF-style: chr8-143919665-C-T. GRCh37 (hg19) VCF-style: chr8-144993833-C-T.
Other names: c.10237G>A, p.Ala3413Thr (NM_000445.5); c.10114G>A, p.Ala3372Thr (NM_201378.4); c.10090G>A, p.Ala3364Thr (NM_201379.3); c.10567G>A, p.Ala3523Thr (NM_201380.4); c.10060G>A, p.Ala3354Thr (NM_201381.3); c.10156G>A, p.Ala3386Thr (NM_201382.4); c.10168G>A, p.Ala3390Thr (NM_201383.3); short protein forms A3390T, A3523T, A3354T, A3372T, A3386T, A3413T, A3364T.
Identifiers: ClinVar variation 647233 (VCV000647233.11), dbSNP rs1351536367, ClinGen allele CA372503311.